The following is an entry in ClinVar:

NM_000362.5(TIMP3):c.*2924T>C

Genes: SYN3 (synapsin III; minus strand), TIMP3 (TIMP metallopeptidase inhibitor 3; plus strand). Cytogenetic location: 22q12.3.
Variant type: single nucleotide variant.
Coding change: c.*2924T>C on transcript NM_000362.5 (MANE Select); 2924 bases downstream of the stop codon, T replaced by C.
Molecular consequence: 3 prime UTR variant. On other transcripts: intron variant (7).
Genome position (GRCh38, 1-based): chr22:32,862,301, T>C. VCF-style: chr22-32862301-T-C. GRCh37 (hg19) VCF-style: chr22-33258288-T-C.
Other names: c.708+2614A>G (NM_001369909.1, NM_001135774.2, NM_001369910.1); c.711+2614A>G (NM_001369907.1, NM_003490.4, NM_001369908.1 and 1 more transcripts).
Identifiers: ClinVar variation 341399 (VCV000341399.6), dbSNP rs1065314, ClinGen allele CA10651195.

ClinVar aggregate classification (germline): Benign. Review status: criteria provided, multiple submitters, no conflicts (2 of 4 stars). 2 submissions from 2 submitters: Benign (2). Last evaluated 2018-01-12.

Conditions:
Sorsby fundus dystrophy (SFD). Also called: MACULAR DYSTROPHY, HEMORRHAGIC; Sorsby fundus dystrophy, Lavia type; FUNDUS DYSTROPHY, PSEUDOINFLAMMATORY, OF SORSBY. Identifiers: Orphanet 59181, MedGen C1850938, MONDO:0007640, OMIM 136900.

Allele frequency attached by ClinVar (database versions not stated): 1000 Genomes Project 30x 0.22611; 1000 Genomes Project 0.22724; gnomAD exomes 0.25556; gnomAD 0.28101 and 0.28775; TOPMed 0.28190.
gnomAD v4.1: 42,708 of 152,158 alleles (28%); highest among the groups gnomAD compares: African/African-American, 34%; 6,215 homozygotes.

Submissions (2):

Illumina Laboratory Services, Illumina
Classification: Benign for Sorsby fundus dystrophy. Last evaluated: 2018-01-12. Review status: criteria provided, single submitter. Criteria: ICSL Variant Classification Criteria 13 December 2019. Collection method: clinical testing. Allele origin: germline.
Comment: This variant was observed in the ICSL laboratory as part of a predisposition screen in an ostensibly healthy population. It had not been previously curated by ICSL or reported in the Human Gene Mutation Database (HGMD: prior to June 1st, 2018), and was therefore a candidate for classification through an automated scoring system. Utilizing variant allele frequency, disease prevalence and penetrance estimates, and inheritance mode, an automated score was calculated to assess if this variant is too frequent to cause the disease. Based on the score and internal cut-off values, a variant classified as benign is not then subjected to further curation. The score for this variant resulted in a classification of benign for this disease.

Breakthrough Genomics
Classification: Benign. Review status: criteria provided, single submitter. Criteria: ACMG Guidelines, 2015. Collection method: not provided. Allele origin: germline. Inheritance: Autosomal dominant inheritance. Affected: yes.